The following is an entry in ClinVar:

NM_000890.5(KCNJ5):c.1250G>T (p.Gly417Val)

Gene: KCNJ5 (potassium inwardly rectifying channel subfamily J member 5; plus strand). Cytogenetic location: 11q24.3.
Variant type: single nucleotide variant.
Coding change: c.1250G>T on transcript NM_000890.5 (MANE Select); coding-DNA position 1250, G replaced by T.
Protein change: p.Gly417Val; replaces glycine 417 with valine.
Molecular consequence: missense variant.
Genome position (GRCh38, 1-based): chr11:128,916,721, G>T. VCF-style: chr11-128916721-G-T. GRCh37 (hg19) VCF-style: chr11-128786616-G-T.
Other names: c.1250G>T, p.Gly417Val (NM_001354169.2); short protein forms G417V.
Identifiers: ClinVar variation 3599207 (VCV003599207.3).

ClinVar aggregate classification (germline): Uncertain significance. Review status: criteria provided, multiple submitters, no conflicts (2 of 4 stars). 2 submissions from 2 submitters: Uncertain significance (2). Last evaluated 2024-03-17.

Conditions:
Familial hyperaldosteronism type III. Also called: Familial hyperaldosteronism type 3; FH III. Identifiers: Orphanet 251274, MedGen C3838758, MONDO:0013359, OMIM 613677.
Long QT syndrome 13 (LQT13). Identifiers: Orphanet 101016, Orphanet 768, MedGen C3150733, MONDO:0013279, OMIM 613485.
Long QT syndrome (LQTS). Identifiers: MedGen C0023976, MeSH D008133, MONDO:0002442. Disease mechanism: loss of function. Inheritance: Various modes of inheritance.

gnomAD v4.1: 1 of 1,603,096 alleles (0.000062%); highest among the groups gnomAD compares: Non-Finnish European, 0.000085%; no homozygotes.

Submissions (2):

Labcorp Genetics (formerly Invitae), Labcorp
Classification: Uncertain significance for Long QT syndrome. Last evaluated: 2024-03-17. Review status: criteria provided, single submitter. Criteria: Invitae Variant Classification Sherloc (09022015). Collection method: clinical testing. Allele origin: germline.
Comment: This sequence change replaces glycine, which is neutral and non-polar, with valine, which is neutral and non-polar, at codon 417 of the KCNJ5 protein (p.Gly417Val). This variant is not present in population databases (gnomAD no frequency). This variant has not been reported in the literature in individuals affected with KCNJ5-related conditions. Advanced modeling of protein sequence and biophysical properties (such as structural, functional, and spatial information, amino acid conservation, physicochemical variation, residue mobility, and thermodynamic stability) performed at Invitae indicates that this missense variant is not expected to disrupt KCNJ5 protein function with a negative predictive value of 95%. In summary, the available evidence is currently insufficient to determine the role of this variant in disease. Therefore, it has been classified as a Variant of Uncertain Significance.

Fulgent Genetics
Classification: Uncertain significance for Long QT syndrome 13; Familial hyperaldosteronism type III. Last evaluated: 2024-01-11. Review status: criteria provided, single submitter. Criteria: ACMG Guidelines, 2015. Collection method: clinical testing. Allele origin: germline.